The following is an entry in ClinVar:

NM_020928.2(ZSWIM6):c.1370G>A (p.Cys457Tyr)

Gene: ZSWIM6 (zinc finger SWIM-type containing 6; plus strand). Cytogenetic location: 5q12.1.
Variant type: single nucleotide variant.
Coding change: c.1370G>A on transcript NM_020928.2 (MANE Select); coding-DNA position 1370, G replaced by A.
Protein change: p.Cys457Tyr; replaces cysteine 457 with tyrosine.
Molecular consequence: missense variant.
Genome position (GRCh38, 1-based): chr5:61,521,299, G>A. VCF-style: chr5-61521299-G-A. GRCh37 (hg19) VCF-style: chr5-60817126-G-A.
Other names: short protein forms C457Y.
Identifiers: ClinVar variation 3392909 (VCV003392909.3).

ClinVar aggregate classification (germline): Uncertain significance. Review status: criteria provided, multiple submitters, no conflicts (2 of 4 stars). 2 submissions from 2 submitters: Uncertain significance (2). Last evaluated 2024-06-28.

Submissions (2):

GeneDx
Classification: Uncertain significance. Last evaluated: 2024-06-28. Review status: criteria provided, single submitter. Criteria: GeneDx Variant Classification Process June 2021. Collection method: clinical testing. Allele origin: germline. Affected: yes.
Comment: Not observed at significant frequency in large population cohorts (gnomAD); In silico analysis supports that this missense variant has a deleterious effect on protein structure/function; Has not been previously published as pathogenic or benign to our knowledge

Labcorp Genetics (formerly Invitae), Labcorp
Classification: Uncertain significance. Last evaluated: 2024-02-15. Review status: criteria provided, single submitter. Criteria: Invitae Variant Classification Sherloc (09022015). Collection method: clinical testing. Allele origin: germline.
Comment: This sequence change replaces cysteine, which is neutral and slightly polar, with tyrosine, which is neutral and polar, at codon 457 of the ZSWIM6 protein (p.Cys457Tyr). This variant is not present in population databases (gnomAD no frequency). This variant has not been reported in the literature in individuals affected with ZSWIM6-related conditions. Advanced modeling of protein sequence and biophysical properties (such as structural, functional, and spatial information, amino acid conservation, physicochemical variation, residue mobility, and thermodynamic stability) performed at Invitae indicates that this missense variant is not expected to disrupt ZSWIM6 protein function with a negative predictive value of 80%. In summary, the available evidence is currently insufficient to determine the role of this variant in disease. Therefore, it has been classified as a Variant of Uncertain Significance.